The following is an entry in ClinVar:

ClinVar aggregate classification (germline): Uncertain significance (1 of 4 stars; one submission).

gnomAD v4.1: 3 of 1,613,868 alleles (0.00019%); highest among the groups gnomAD compares: Non-Finnish European, 0.00025%; no homozygotes.

Submission:

GeneDx
Classification: Uncertain significance. Last evaluated: 2026-04-04. Review status: criteria provided, single submitter. Criteria: GeneDx Variant Classification Process June 2021. Collection method: clinical testing. Allele origin: germline.
Comment: In silico analysis supports that this missense variant has a deleterious effect on protein structure/function; Has not been previously published as pathogenic or benign to our knowledge.

NM_012199.5(AGO1):c.2443C>G (p.Leu815Val)

Gene: AGO1 (argonaute RISC component 1; plus strand). Cytogenetic location: 1p34.3.
Variant type: single nucleotide variant.
Coding change: c.2443C>G on transcript NM_012199.5 (MANE Select); coding-DNA position 2443, C replaced by G.
Protein change: p.Leu815Val; replaces leucine 815 with valine.
Molecular consequence: missense variant.
Genome position (GRCh38, 1-based): chr1:35,919,232, C>G. VCF-style: chr1-35919232-C-G. GRCh37 (hg19) VCF-style: chr1-36384833-C-G.
Other names: c.2443C>G, p.Leu815Val (NM_001317122.2); c.2218C>G, p.Leu740Val (NM_001317123.2); short protein forms L740V, L815V.
Identifiers: ClinVar variation 5018078 (VCV005018078.1).